The following is an entry in ClinVar:

NM_001378452.1(ITPR1):c.4076C>T (p.Ala1359Val)

Gene: ITPR1 (inositol 1,4,5-trisphosphate receptor type 1; plus strand). Cytogenetic location: 3p26.1.
Variant type: single nucleotide variant.
Coding change: c.4076C>T on transcript NM_001378452.1 (MANE Select); coding-DNA position 4076, C replaced by T.
Protein change: p.Ala1359Val; replaces alanine 1359 with valine.
Molecular consequence: missense variant.
Genome position (GRCh38, 1-based): chr3:4,693,536, C>T. VCF-style: chr3-4693536-C-T. GRCh37 (hg19) VCF-style: chr3-4735220-C-T.
Other names: c.4049C>T, p.Ala1350Val (NM_001099952.4); c.4031C>T, p.Ala1344Val (NM_001168272.2); c.4004C>T, p.Ala1335Val (NM_002222.7); short protein forms A1350V, A1359V, A1344V, A1335V.
Identifiers: ClinVar variation 4745925 (VCV004745925.1).

ClinVar aggregate classification (germline): Uncertain significance (1 of 4 stars; one submission).

Submission:

Labcorp Genetics (formerly Invitae), Labcorp
Classification: Uncertain significance. Last evaluated: 2025-07-13. Review status: criteria provided, single submitter. Criteria: Invitae Variant Classification Sherloc (09022015). Collection method: clinical testing. Allele origin: germline.
Comment: This sequence change replaces alanine, which is neutral and non-polar, with valine, which is neutral and non-polar, at codon 1335 of the ITPR1 protein (p.Ala1335Val). This variant is not present in population databases (gnomAD no frequency). This variant has not been reported in the literature in individuals affected with ITPR1-related conditions. Invitae Evidence Modeling of protein sequence and biophysical properties (such as structural, functional, and spatial information, amino acid conservation, physicochemical variation, residue mobility, and thermodynamic stability) indicates that this missense variant is not expected to disrupt ITPR1 protein function with a negative predictive value of 95%. Algorithms developed to predict the effect of sequence changes on RNA splicing suggest that this variant may create or strengthen a splice site. In summary, the available evidence is currently insufficient to determine the role of this variant in disease. Therefore, it has been classified as a Variant of Uncertain Significance.